The following is an entry in ClinVar:

NM_001384125.1(BLTP1):c.4770dup (p.Leu1591fs)

Gene: BLTP1 (bridge-like lipid transfer protein family member 1; plus strand). Cytogenetic location: 4q27.
Variant type: Duplication.
Coding change: c.4770dup on transcript NM_001384125.1 (MANE Select); coding-DNA position 4770, one base duplicated (A; older notation c.4770dupA).
Protein change: p.Leu1591fs; shifts the reading frame from leucine 1591.
Molecular consequence: frameshift variant.
Genome position (GRCh38, 1-based): chr4:122,243,881, A duplicated; the last of 8 consecutive A bases (chr4:122,243,874-122,243,881); duplicating any one gives the same sequence. VCF-style (leftmost placement, unchanged base first): chr4-122243873-G-GA. GRCh37 (hg19) VCF-style: chr4-123165028-G-GA.
Other names: c.4770dup, p.Leu1591fs (NM_015312.4); short protein forms L1591fs.
Identifiers: ClinVar variation 5006724 (VCV005006724.2).

ClinVar aggregate classification (germline): Likely pathogenic (1 of 4 stars; one submission).

Conditions:
Alkuraya-Kucinskas syndrome. Identifiers: Orphanet 610569, MedGen C4693347, MONDO:0060631, OMIM 617822.

Submission:

Juno Genomics, Hangzhou Juno Genomics, Inc
Classification: Likely pathogenic for Alkuraya-Kucinskas syndrome. Review status: criteria provided, single submitter. Criteria: ACMG Guidelines, 2015. Collection method: clinical testing. Allele origin: germline.
Comment: Null variant in a gene where loss of function (LOF) is a known mechanism of disease.;Absent from controls (or at extremely low frequency if recessive) in Genome Aggregation Database.